The following is an entry in ClinVar:

NM_001369268.1(ACAN):c.887T>C (p.Met296Thr)

Gene: ACAN (aggrecan; plus strand). Cytogenetic location: 15q26.1.
Variant type: single nucleotide variant.
Coding change: c.887T>C on transcript NM_001369268.1 (MANE Select); coding-DNA position 887, T replaced by C.
Protein change: p.Met296Thr; replaces methionine 296 with threonine.
Molecular consequence: missense variant.
Genome position (GRCh38, 1-based): chr15:88,843,484, T>C. VCF-style: chr15-88843484-T-C. GRCh37 (hg19) VCF-style: chr15-89386715-T-C.
Other names: c.887T>C, p.Met296Thr (NM_001135.4, NM_001411096.1, NM_001411097.1 and 1 more transcripts); short protein forms M296T.
Identifiers: ClinVar variation 1969178 (VCV001969178.5), dbSNP rs558565679, ClinGen allele CA7719393.

ClinVar aggregate classification (germline): Uncertain significance (1 of 4 stars; one submission).

Allele frequency attached by ClinVar (database versions not stated): TOPMed 0.00001; gnomAD 0.00002; gnomAD exomes 0.00003; ExAC 0.00004; 1000 Genomes Project 0.00020; 1000 Genomes Project 30x 0.00031.

Submission:

Labcorp Genetics (formerly Invitae), Labcorp
Classification: Uncertain significance. Last evaluated: 2022-09-20. Review status: criteria provided, single submitter. Criteria: Invitae Variant Classification Sherloc (09022015). Collection method: clinical testing. Allele origin: germline.
Comment: In summary, the available evidence is currently insufficient to determine the role of this variant in disease. Therefore, it has been classified as a Variant of Uncertain Significance. Advanced modeling of protein sequence and biophysical properties (such as structural, functional, and spatial information, amino acid conservation, physicochemical variation, residue mobility, and thermodynamic stability) performed at Invitae indicates that this missense variant is not expected to disrupt ACAN protein function. This variant has not been reported in the literature in individuals affected with ACAN-related conditions. This variant is present in population databases (rs558565679, gnomAD 0.04%). This sequence change replaces methionine, which is neutral and non-polar, with threonine, which is neutral and polar, at codon 296 of the ACAN protein (p.Met296Thr).